The following is an entry in ClinVar:

ClinVar aggregate classification (germline): Uncertain significance (1 of 4 stars; one submission).

Conditions:
Regional enteritis. Also called: Enteritis, Granulomatous. Identifiers: MedGen C0678202, MeSH D003424.
Blau syndrome (BLAUS). Also called: ARTHROCUTANEOUVEAL GRANULOMATOSIS; GRANULOMATOSIS, FAMILIAL JUVENILE SYSTEMIC; GRANULOMATOSIS, FAMILIAL, BLAU TYPE; GRANULOMATOUS INFLAMMATORY ARTHRITIS, DERMATITIS, AND UVEITIS, FAMILIAL; JABS SYNDROME. Identifiers: Orphanet 90340, MedGen C5201146, MONDO:0008523, OMIM 186580.

Submission:

Labcorp Genetics (formerly Invitae), Labcorp
Classification: Uncertain significance for Regional enteritis; Blau syndrome. Last evaluated: 2024-03-15. Review status: criteria provided, single submitter. Criteria: Invitae Variant Classification Sherloc (09022015). Collection method: clinical testing. Allele origin: germline.
Comment: This sequence change replaces proline, which is neutral and non-polar, with threonine, which is neutral and polar, at codon 356 of the NOD2 protein (p.Pro356Thr). This variant is not present in population databases (gnomAD no frequency). This variant has not been reported in the literature in individuals affected with NOD2-related conditions. Advanced modeling of protein sequence and biophysical properties (such as structural, functional, and spatial information, amino acid conservation, physicochemical variation, residue mobility, and thermodynamic stability) performed at Invitae indicates that this missense variant is not expected to disrupt NOD2 protein function with a negative predictive value of 95%. In summary, the available evidence is currently insufficient to determine the role of this variant in disease. Therefore, it has been classified as a Variant of Uncertain Significance.

NM_001370466.1(NOD2):c.985C>A (p.Pro329Thr)

Gene: NOD2 (nucleotide binding oligomerization domain containing 2; plus strand). Cytogenetic location: 16q12.1.
Variant type: single nucleotide variant.
Coding change: c.985C>A on transcript NM_001370466.1 (MANE Select); coding-DNA position 985, C replaced by A.
Protein change: p.Pro329Thr; replaces proline 329 with threonine.
Molecular consequence: missense variant. On other transcripts: non-coding transcript variant (1).
Genome position (GRCh38, 1-based): chr16:50,710,977, C>A. VCF-style: chr16-50710977-C-A. GRCh37 (hg19) VCF-style: chr16-50744888-C-A.
Other names: c.985C>A, p.Pro329Thr (NM_001293557.2); c.1066C>A, p.Pro356Thr (NM_022162.3); short protein forms P329T, P356T.
Identifiers: ClinVar variation 3754271 (VCV003754271.2).
Genomic context (GRCh38, chr16:50,710,977, plus strand): 5'-CTGCAGTGCATGGCCAAACCACTCTCTGTGCGGACTCTACTCTTTGAGCACTGCTGTTGG[C>A]CTGATGTTGGTCAAGAAGACATCTTCCAGTTACTCCTTGACCACCCTGACCGTGTCCTGT-3'
Protein context (NP_001357395.1, residues 319-339): RTLLFEHCCW[Pro329Thr]DVGQEDIFQL